The following is an entry in ClinVar:

ClinVar aggregate classification (germline): Likely pathogenic (1 of 4 stars; one submission).

Submission:

Labcorp Genetics (formerly Invitae), Labcorp
Classification: Likely pathogenic. Last evaluated: 2024-06-05. Review status: criteria provided, single submitter. Criteria: Invitae Variant Classification Sherloc (09022015). Collection method: clinical testing. Allele origin: germline.
Comment: This sequence change replaces proline, which is neutral and non-polar, with alanine, which is neutral and non-polar, at codon 52 of the MATN3 protein (p.Pro52Ala). This variant is not present in population databases (gnomAD no frequency). This missense change has been observed in individual(s) with multiple epiphyseal dysplasia (external communication). In at least one individual the variant was observed to be de novo. An algorithm developed to predict the effect of missense changes on protein structure and function (PolyPhen-2) suggests that this variant is likely to be disruptive. In summary, the currently available evidence indicates that the variant is pathogenic, but additional data are needed to prove that conclusively. Therefore, this variant has been classified as Likely Pathogenic.

NM_002381.5(MATN3):c.154C>G (p.Pro52Ala)

Gene: MATN3 (matrilin 3; minus strand). Cytogenetic location: 2p24.1.
Variant type: single nucleotide variant.
Coding change: c.154C>G on transcript NM_002381.5 (MANE Select); coding-DNA position 154, C replaced by G.
Protein change: p.Pro52Ala; replaces proline 52 with alanine.
Molecular consequence: missense variant.
Genome position (GRCh38, 1-based): chr2:20,012,478, G>C on the plus strand (C>G on the coding strand, the complement: MATN3 is on the minus strand). VCF-style: chr2-20012478-G-C. GRCh37 (hg19) VCF-style: chr2-20212239-G-C.
Other names: short protein forms P52A.
Identifiers: ClinVar variation 3641292 (VCV003641292.2).